The following is an entry in ClinVar:

ClinVar aggregate classification (germline): Benign/Likely benign. Review status: criteria provided, multiple submitters, no conflicts (2 of 4 stars). 4 submissions from 4 submitters: Benign (3); Likely benign (1). Last evaluated 2026-01-29.

Conditions:
Microcephalic primordial dwarfism due to RTTN deficiency (MSSP). Also called: Microcephaly, short stature, and polymicrogyria with or without seizures; MICROCEPHALY, SHORT STATURE, AND POLYMICROGYRIA. Identifiers: Orphanet 468631, MedGen C3553831, MONDO:0018764, OMIM 614833.

Allele frequency attached by ClinVar (database versions not stated): gnomAD exomes 0.00210 and 0.00546; ExAC 0.00639; 1000 Genomes Project 0.01877; gnomAD 0.01952 and 0.02102; ESP Exome Variant Server 0.01964; 1000 Genomes Project 30x 0.02092; TOPMed 0.02209.
gnomAD v4.1: 6,150 of 1,593,684 alleles (0.39%); highest among the groups gnomAD compares: African/African-American, 6.7%; 184 homozygotes.

Submissions (4):

Labcorp Genetics (formerly Invitae), Labcorp
Classification: Benign. Last evaluated: 2026-01-29. Review status: criteria provided, single submitter. Criteria: Invitae Variant Classification Sherloc (09022015). Collection method: clinical testing. Allele origin: germline.

Fulgent Genetics
Classification: Likely benign for Microcephalic primordial dwarfism due to RTTN deficiency. Last evaluated: 2021-11-08. Review status: criteria provided, single submitter. Criteria: ACMG Guidelines, 2015. Collection method: clinical testing. Allele origin: unknown.

GeneDx
Classification: Benign. Last evaluated: 2016-06-16. Review status: criteria provided, single submitter. Criteria: GeneDx Variant Classification (06012015). Collection method: clinical testing. Allele origin: germline. Affected: yes.
Comment: This variant is considered likely benign or benign based on one or more of the following criteria: it is a conservative change, it occurs at a poorly conserved position in the protein, it is predicted to be benign by multiple in silico algorithms, and/or has population frequency not consistent with disease.

Breakthrough Genomics
Classification: Benign. Review status: criteria provided, single submitter. Criteria: ACMG Guidelines, 2015. Collection method: not provided. Allele origin: germline. Inheritance: Autosomal recessive inheritance. Affected: yes.

NM_173630.4(RTTN):c.220-12T>C

Gene: RTTN (rotatin; minus strand). Cytogenetic location: 18q22.2.
Variant type: single nucleotide variant.
Coding change: c.220-12T>C on transcript NM_173630.4 (MANE Select); 12 bases into the intron before coding-DNA position 220, T replaced by C.
Molecular consequence: intron variant.
Genome position (GRCh38, 1-based): chr18:70,204,275, A>G on the plus strand (T>C on the coding strand, the complement: RTTN is on the minus strand). VCF-style: chr18-70204275-A-G. GRCh37 (hg19) VCF-style: chr18-67871511-A-G.
Other names: c.-2334-12T>C (NM_001318520.2).
Identifiers: ClinVar variation 386467 (VCV000386467.11), dbSNP rs11873759, ClinGen allele CA8996541.